The following is an entry in ClinVar:

NM_000245.4(MET):c.1712A>G (p.Asn571Ser)

Gene: MET (MET proto-oncogene, receptor tyrosine kinase; plus strand). Cytogenetic location: 7q31.2.
Variant type: single nucleotide variant.
Coding change: c.1712A>G on transcript NM_000245.4 (MANE Select); coding-DNA position 1712, A replaced by G.
Protein change: p.Asn571Ser; replaces asparagine 571 with serine.
Molecular consequence: missense variant.
Genome position (GRCh38, 1-based): chr7:116,755,365, A>G. VCF-style: chr7-116755365-A-G. GRCh37 (hg19) VCF-style: chr7-116395419-A-G.
Other names: c.1712A>G, p.Asn571Ser (NM_001127500.3, NM_001324401.3); c.422A>G, p.Asn141Ser (NM_001324402.2); c.1712A>G (NM_001127500.2); short protein forms N141S, N571S.
Identifiers: ClinVar variation 1778583 (VCV001778583.4), dbSNP rs200269358, ClinGen allele CA368977626.

ClinVar aggregate classification (germline): Conflicting classifications of pathogenicity. Review status: criteria provided, conflicting classifications (1 of 4 stars). 2 submissions from 2 submitters: Uncertain significance (1); Likely benign (1). Last evaluated 2024-10-29.

Conditions:
Hereditary cancer-predisposing syndrome. Also called: Neoplastic Syndromes, Hereditary; Tumor predisposition; Hereditary Cancer Syndrome; Hereditary neoplastic syndrome. Identifiers: Orphanet 140162, MedGen C0027672, MeSH D009386, MONDO:0015356.

Submissions (2):

Ambry Genetics
Classification: Likely benign for Hereditary cancer-predisposing syndrome. Last evaluated: 2024-10-29. Review status: criteria provided, single submitter. Criteria: Ambry Variant Classification Scheme 2023. Collection method: clinical testing. Allele origin: germline.

Quest Diagnostics Nichols Institute San Juan Capistrano
Classification: Uncertain significance. Last evaluated: 2024-10-24. Review status: criteria provided, single submitter. Criteria: Quest Diagnostics criteria. Collection method: clinical testing. Allele origin: unknown.
Comment: The MET c.1712A>G (p.Asn571Ser) variant has not been reported in individuals with MET-related conditions in the published literature. It also has not been reported in large, multi-ethnic general populations (Genome Aggregation Database). Analysis of this variant using bioinformatics tools for the prediction of the effect of amino acid changes on protein structure and function yielded predictions that this variant is benign. Based on the available information, we are unable to determine the clinical significance of this variant.